The following is an entry in ClinVar:

NM_000051.4(ATM):c.3577-9_3583del

Gene: ATM (ATM serine/threonine kinase; plus strand). Cytogenetic location: 11q22.3.
Variant type: Deletion.
Coding change: c.3577-9_3583del on transcript NM_000051.4 (MANE Select); 9 bases into the intron before coding-DNA position 3577 through coding-DNA position 3583, 16 bases deleted (TTCGTGCAGGTTTTAG).
Molecular consequence: splice acceptor variant.
Genome position (GRCh38, 1-based): chr11:108,282,701-108,282,716, TTCGTGCAGGTTTTAG deleted; deleting any 16 consecutive bases within chr11:108,282,700-108,282,716 gives the same sequence; the c. name uses the placement nearest the transcript's 3' end. VCF-style (leftmost placement, unchanged base first): chr11-108282699-GGTTCGTGCAGGTTTTA-G. GRCh37 (hg19) VCF-style: chr11-108153426-GGTTCGTGCAGGTTTTA-G.
Other names: c.3577-9_3583del16 (NM_000051.3); c.3577-9_3583del (NM_001351834.2).
Identifiers: ClinVar variation 453475 (VCV000453475.10), dbSNP rs1555092219, ClinGen allele CA658656220.

ClinVar aggregate classification (germline): Pathogenic/Likely pathogenic. Review status: criteria provided, multiple submitters, no conflicts (2 of 4 stars). 3 submissions from 3 submitters: Pathogenic (2); Likely pathogenic (1). Last evaluated 2025-05-29.

Conditions:
Hereditary cancer-predisposing syndrome. Also called: Tumor predisposition; Hereditary Cancer Syndrome; Neoplastic Syndromes, Hereditary; Hereditary neoplastic syndrome. Identifiers: Orphanet 140162, MedGen C0027672, MeSH D009386, MONDO:0015356.
Familial cancer of breast. Also called: Hereditary breast cancer; hereditary breast carcinoma; BREAST CANCER, FAMILIAL. Identifiers: Orphanet 227535, MedGen C0346153, MONDO:0016419, OMIM 114480. Disease mechanism: loss of function.
Ataxia-telangiectasia syndrome (AT). Also called: Cerebello-oculocutaneous telangiectasia; Immunodeficiency with ataxia telangiectasia; Ataxia-telangiectasia, complementation group D; AT, COMPLEMENTATION GROUP C; Ataxia-telangiectasia, complementation group E; LOUIS-BAR SYNDROME. Identifiers: Orphanet 100, MedGen C0004135, MONDO:0008840, OMIM 208900.

Submissions (3):

Labcorp Genetics (formerly Invitae), Labcorp
Classification: Pathogenic for Ataxia-telangiectasia syndrome. Last evaluated: 2025-05-29. Review status: criteria provided, single submitter. Criteria: Invitae Variant Classification Sherloc (09022015). Collection method: clinical testing. Allele origin: germline.
Comment: This variant results in the deletion of part of exon 25 (c.3577-9_3583del) of the ATM gene. It is expected to disrupt RNA splicing. Variants that disrupt the donor or acceptor splice site typically lead to a loss of protein function (PMID: 16199547), and loss-of-function variants in ATM are known to be pathogenic (PMID: 23807571, 25614872). This variant is not present in population databases (gnomAD no frequency). This variant has not been reported in the literature in individuals affected with ATM-related conditions. ClinVar contains an entry for this variant (Variation ID: 453475). For these reasons, this variant has been classified as Pathogenic.

Ambry Genetics
Classification: Pathogenic for Hereditary cancer-predisposing syndrome. Last evaluated: 2025-04-07. Review status: criteria provided, single submitter. Criteria: Ambry Variant Classification Scheme 2023. Collection method: clinical testing. Allele origin: germline.
Comment: The c.3577-9_3583del16 pathogenic mutation results from a deletion of 16 nucleotides between positions c.3577-9 and c.3583 and involves the canonical splice acceptor site before coding exon 24 of the ATM gene. This variant is considered to be rare based on population cohorts in the Genome Aggregation Database (gnomAD). In silico splice site analysis predicts that this alteration will weaken the native splice acceptor site and may result in the creation or strengthening of a novel splice donor site. RNA studies have demonstrated that this alteration results in abnormal splicing in the set of samples tested (Ambry internal data). Alterations that disrupt the canonical splice site are expected to cause aberrant splicing, resulting in an abnormal protein or a transcript that is subject to nonsense-mediated mRNA decay. As such, this alteration is classified as a disease-causing mutation.

Myriad Genetics, Inc.
Classification: Likely pathogenic for Familial cancer of breast. Last evaluated: 2024-12-19. Review status: criteria provided, single submitter. Criteria: Myriad Autosomal Dominant, Autosomal Recessive and X-Linked Classification Criteria (2023). Collection method: clinical testing. Allele origin: unknown.
Comment: This variant is considered likely pathogenic. This variant occurs within a consensus splice junction and is predicted to result in abnormal mRNA splicing of either an out-of-frame exon or an in-frame exon necessary for protein stability and/or normal function. mRNA analysis has demonstrated abnormal mRNA splicing occurs [Myriad internal data].

Literature cited by the submitters: PubMed 16199547 (cited by Labcorp Genetics (formerly Invitae), Labcorp); PubMed 23807571 (cited by Labcorp Genetics (formerly Invitae), Labcorp); PubMed 25614872 (cited by Labcorp Genetics (formerly Invitae), Labcorp).